The following is an entry in ClinVar:

ClinVar aggregate classification (germline): Likely benign (0 of 4 stars; one submission).

Conditions:
NCOA1-related disorder. Also called: NCOA1-related condition.

Allele frequency attached by ClinVar (database versions not stated): ExAC 0.00002; gnomAD exomes 0.00002; TOPMed 0.00003; gnomAD 0.00004; ESP Exome Variant Server 0.00008; 1000 Genomes Project 30x 0.00016; 1000 Genomes Project 0.00020.
gnomAD v4.1: 40 of 1,613,658 alleles (0.0025%); highest among the groups gnomAD compares: Middle Eastern, 0.15%; no homozygotes.

Submission:

PreventionGenetics, part of Exact Sciences
Classification: Likely benign for NCOA1-related condition. Last evaluated: 2021-07-30. Review status: no assertion criteria provided. Collection method: clinical testing. Allele origin: germline.
Comment: This variant is classified as likely benign based on ACMG/AMP sequence variant interpretation guidelines (Richards et al. 2015 PMID: 25741868, with internal and published modifications).

NM_003743.5(NCOA1):c.3213A>G (p.Gln1071=)

Gene: NCOA1 (nuclear receptor coactivator 1; plus strand). Cytogenetic location: 2p23.3.
Variant type: single nucleotide variant.
Coding change: c.3213A>G on transcript NM_003743.5 (MANE Select); coding-DNA position 3213, A replaced by G.
Protein change: p.Gln1071=; no amino-acid change (glutamine 1071 retained).
Molecular consequence: synonymous variant.
Genome position (GRCh38, 1-based): chr2:24,739,443, A>G. VCF-style: chr2-24739443-A-G. GRCh37 (hg19) VCF-style: chr2-24962312-A-G.
Other names: c.3213A>G, p.Gln1071= (NM_001362950.1, NM_001362952.1, NM_001362954.1 and 3 more transcripts).
Identifiers: ClinVar variation 3040232 (VCV003040232.2), dbSNP rs142133235, ClinGen allele CA1552605.